The following is an entry in ClinVar:

ClinVar aggregate classification (germline): Uncertain significance. Review status: criteria provided, multiple submitters, no conflicts (2 of 4 stars). 3 submissions from 3 submitters: Uncertain significance (3). Last evaluated 2024-10-07.

Conditions:
Inborn genetic diseases. Identifiers: MedGen C0950123, MeSH D030342.
Congenital defect of folate absorption. Also called: Hereditary Folate Malabsorption. Identifiers: Orphanet 90045, MedGen C0342705, MONDO:0009238, OMIM 229050.

Allele frequency attached by ClinVar (database versions not stated): gnomAD exomes 0.00001 and 0.00002; gnomAD 0.00004; TOPMed 0.00004; ExAC 0.00005; ESP Exome Variant Server 0.00008; 1000 Genomes Project 30x 0.00016; 1000 Genomes Project 0.00020.
gnomAD v4.1: 14 of 1,589,620 alleles (0.00088%); highest among the groups gnomAD compares: African/African-American, 0.019%; no homozygotes.

Submissions (3):

Ambry Genetics
Classification: Uncertain significance for Inborn genetic diseases. Last evaluated: 2024-10-07. Review status: criteria provided, single submitter. Criteria: Ambry Variant Classification Scheme 2023. Collection method: clinical testing. Allele origin: germline.

Labcorp Genetics (formerly Invitae), Labcorp
Classification: Uncertain significance. Last evaluated: 2022-05-19. Review status: criteria provided, single submitter. Criteria: Invitae Variant Classification Sherloc (09022015). Collection method: clinical testing. Allele origin: germline.
Comment: This sequence change replaces valine, which is neutral and non-polar, with alanine, which is neutral and non-polar, at codon 130 of the SLC46A1 protein (p.Val130Ala). This variant is present in population databases (rs369191223, gnomAD 0.03%). This variant has not been reported in the literature in individuals affected with SLC46A1-related conditions. ClinVar contains an entry for this variant (Variation ID: 891003). Experimental studies and prediction algorithms are not available or were not evaluated, and the functional significance of this variant is currently unknown. In summary, the available evidence is currently insufficient to determine the role of this variant in disease. Therefore, it has been classified as a Variant of Uncertain Significance.

Illumina Laboratory Services, Illumina
Classification: Uncertain significance for Congenital defect of folate absorption. Last evaluated: 2018-01-13. Review status: criteria provided, single submitter. Criteria: ICSL Variant Classification Criteria 13 December 2019. Collection method: clinical testing. Allele origin: germline.

NM_080669.6(SLC46A1):c.389T>C (p.Val130Ala)

Gene: SLC46A1 (solute carrier family 46 member 1; minus strand). Cytogenetic location: 17q11.2.
Variant type: single nucleotide variant.
Coding change: c.389T>C on transcript NM_080669.6 (MANE Select); coding-DNA position 389, T replaced by C.
Protein change: p.Val130Ala; replaces valine 130 with alanine.
Molecular consequence: missense variant.
Genome position (GRCh38, 1-based): chr17:28,405,308, A>G on the plus strand (T>C on the coding strand, the complement: SLC46A1 is on the minus strand). VCF-style: chr17-28405308-A-G. GRCh37 (hg19) VCF-style: chr17-26732326-A-G.
Other names: c.389T>C, p.Val130Ala (NM_001242366.3); short protein forms V130A.
Identifiers: ClinVar variation 891003 (VCV000891003.6), dbSNP rs369191223, ClinGen allele CA8458338.